The following is an entry in ClinVar:

NM_001195263.2(PDZD7):c.1392C>T (p.Ser464=)

Gene: PDZD7 (PDZ domain containing 7; minus strand). Cytogenetic location: 10q24.31.
Variant type: single nucleotide variant.
Coding change: c.1392C>T on transcript NM_001195263.2 (MANE Select); coding-DNA position 1392, C replaced by T.
Protein change: p.Ser464=; no amino-acid change (serine 464 retained).
Molecular consequence: synonymous variant. On other transcripts: nonsense (1).
Genome position (GRCh38, 1-based): chr10:101,018,229, G>A on the plus strand (C>T on the coding strand, the complement: PDZD7 is on the minus strand). VCF-style: chr10-101018229-G-A. GRCh37 (hg19) VCF-style: chr10-102777986-G-A.
Other names: c.1392C>T (NM_001195263.1); c.1420C>T, p.Gln474Ter (NM_001351044.2); c.1392C>T, p.Ser464= (NM_024895.5); short protein forms Q474*.
Identifiers: ClinVar variation 1543696 (VCV001543696.9), dbSNP rs2134049595, ClinGen allele CA471187640.

ClinVar aggregate classification (germline): Conflicting classifications of pathogenicity. Review status: criteria provided, conflicting classifications (1 of 4 stars). 2 submissions from 2 submitters: Uncertain significance (1); Likely benign (1). Last evaluated 2024-04-17.

Allele frequency attached by ClinVar (database versions not stated): gnomAD exomes 0.00001.

Submissions (2):

GeneDx
Classification: Uncertain significance. Last evaluated: 2024-04-17. Review status: criteria provided, single submitter. Criteria: GeneDx Variant Classification Process June 2021. Collection method: clinical testing. Allele origin: germline. Affected: yes.
Comment: Not observed at significant frequency in large population cohorts (gnomAD); In silico analysis indicates that this variant does not alter splicing; Has not been previously published as pathogenic or benign to our knowledge

Labcorp Genetics (formerly Invitae), Labcorp
Classification: Likely benign. Last evaluated: 2021-03-24. Review status: criteria provided, single submitter. Criteria: Invitae Variant Classification Sherloc (09022015). Collection method: clinical testing. Allele origin: germline.